The following is an entry in ClinVar:

NM_001378454.1(ALMS1):c.695T>G (p.Leu232Trp)

Gene: ALMS1 (ALMS1 centrosome and basal body associated protein; plus strand). Cytogenetic location: 2p13.1.
Variant type: single nucleotide variant.
Coding change: c.695T>G on transcript NM_001378454.1 (MANE Select); coding-DNA position 695, T replaced by G.
Protein change: p.Leu232Trp; replaces leucine 232 with tryptophan.
Molecular consequence: missense variant.
Genome position (GRCh38, 1-based): chr2:73,422,905, T>G. VCF-style: chr2-73422905-T-G. GRCh37 (hg19) VCF-style: chr2-73650033-T-G.
Other names: c.698T>G, p.Leu233Trp (NM_015120.4); short protein forms L232W, L233W.
Identifiers: ClinVar variation 1756477 (VCV001756477.2), dbSNP rs2466043544, ClinGen allele CA347260080.

ClinVar aggregate classification (germline): Uncertain significance (1 of 4 stars; one submission).

Conditions:
Cardiovascular phenotype. Identifiers: MedGen CN230736.

Submission:

Ambry Genetics
Classification: Uncertain significance for Cardiovascular phenotype. Last evaluated: 2019-11-08. Review status: criteria provided, single submitter. Criteria: Ambry Variant Classification Scheme 2023. Collection method: clinical testing. Allele origin: germline.
Comment: The p.L233W variant (also known as c.698T>G), located in coding exon 4 of the ALMS1 gene, results from a T to G substitution at nucleotide position 698. The leucine at codon 233 is replaced by tryptophan, an amino acid with similar properties. This amino acid position is not well conserved in available vertebrate species. In addition, the in silico prediction for this alteration is inconclusive. Since supporting evidence is limited at this time, the clinical significance of this alteration remains unclear.